The following is an entry in ClinVar:

NM_014391.3(ANKRD1):c.10C>G (p.Leu4Val)

Gene: ANKRD1 (ankyrin repeat domain 1; minus strand). Cytogenetic location: 10q23.31.
Variant type: single nucleotide variant.
Coding change: c.10C>G on transcript NM_014391.3 (MANE Select); coding-DNA position 10, C replaced by G.
Protein change: p.Leu4Val; replaces leucine 4 with valine.
Molecular consequence: missense variant.
Genome position (GRCh38, 1-based): chr10:90,921,018, G>C on the plus strand (C>G on the coding strand, the complement: ANKRD1 is on the minus strand). VCF-style: chr10-90921018-G-C. GRCh37 (hg19) VCF-style: chr10-92680775-G-C.
Other names: short protein forms L4V.
Identifiers: ClinVar variation 4882470 (VCV004882470.2).

ClinVar aggregate classification (germline): Uncertain significance (1 of 4 stars; one submission).

Submission:

Dasa
Classification: Uncertain significance. Last evaluated: 2026-03-24. Review status: criteria provided, single submitter. Criteria: DASA Assertion Criteria. Collection method: clinical testing. Allele origin: germline.
Comment: NM_014391.3(ANKRD1):c.10C>G (p.Leu4Val) is a missense variant that results in the substitution of leucine with valine. This variant is rare in population databases. Computational prediction algorithms are consistent with a benign effect. The currently available literature and clinical evidence are not sufficient to establish a definitive association between this variant and the reported condition. Therefore, this variant is classified as a variant of uncertain significance.